The following is an entry in ClinVar:

ClinVar aggregate classification (germline): Uncertain significance. Review status: criteria provided, multiple submitters, no conflicts (2 of 4 stars). 3 submissions from 3 submitters: Uncertain significance (3). Last evaluated 2025-05-27.

Allele frequency attached by ClinVar (database versions not stated): gnomAD exomes 0.00002 and 0.00010; ExAC 0.00003; gnomAD 0.00003; TOPMed 0.00003.
gnomAD v4.1: 144 of 1,613,910 alleles (0.0089%); highest among the groups gnomAD compares: Non-Finnish European, 0.012%; no homozygotes.

Submissions (3):

Labcorp Genetics (formerly Invitae), Labcorp
Classification: Uncertain significance. Last evaluated: 2025-05-27. Review status: criteria provided, single submitter. Criteria: Invitae Variant Classification Sherloc (09022015). Collection method: clinical testing. Allele origin: germline.
Comment: This sequence change replaces glycine, which is neutral and non-polar, with glutamic acid, which is acidic and polar, at codon 2092 of the CACNA1D protein (p.Gly2092Glu). This variant is present in population databases (rs770605004, gnomAD 0.005%). This variant has not been reported in the literature in individuals affected with CACNA1D-related conditions. ClinVar contains an entry for this variant (Variation ID: 421619). An algorithm developed to predict the effect of missense changes on protein structure and function (PolyPhen-2) suggests that this variant is likely to be disruptive. In summary, the available evidence is currently insufficient to determine the role of this variant in disease. Therefore, it has been classified as a Variant of Uncertain Significance.

Laboratory for Molecular Medicine, Mass General Brigham Personalized Medicine
Classification: Uncertain significance. Last evaluated: 2019-05-10. Review status: criteria provided, single submitter. Criteria: LMM Criteria. Collection method: clinical testing. Allele origin: germline. Observed: 1 variant allele.
Comment: The p.Gly2092Glu variant in CACNA1D has not been previously reported in individuals with hearing loss, but has been identified in 0.004% (5/129186) of European chromosomes by gnomAD. This variant has been reported in ClinVar (Variation ID 421619). Computational prediction tools and conservation analysis suggest that this variant may impact the protein, though this information is not predictive enough to determine pathogenicity. In summary, the clinical significance of this variant is uncertain. ACMG/AMP Criteria applied: PM2, PP3.

GeneDx
Classification: Uncertain significance. Last evaluated: 2018-01-25. Review status: criteria provided, single submitter. Criteria: GeneDx Variant Classification (06012015). Collection method: clinical testing. Allele origin: germline. Affected: yes.
Comment: The G2092E variant in the CACNA1D gene has not been reported previously as a pathogenic variant, nor as a benign variant, to our knowledge. The G2092E variant was not observed in approximately 6500 individuals of European and African American ancestry in the NHLBI Exome Sequencing Project, indicating it is not a common benign variant in these populations. The G2092E variant is a non-conservative amino acid substitution, which is likely to impact secondary protein structure as these residues differ in polarity, charge, size and/or other properties. This substitution occurs at a position where amino acids with similar properties to Glycine are tolerated across species. In silico analysis predicts this variant is probably damaging to the protein structure/function. Therefore, we interpret G2092E as a variant of uncertain significance.

NM_001128840.3(CACNA1D):c.6215G>A (p.Gly2072Glu)

Gene: CACNA1D (calcium voltage-gated channel subunit alpha1 D; plus strand). Cytogenetic location: 3p21.1.
Variant type: single nucleotide variant.
Coding change: c.6215G>A on transcript NM_001128840.3 (MANE Select); coding-DNA position 6215, G replaced by A.
Protein change: p.Gly2072Glu; replaces glycine 2072 with glutamic acid.
Molecular consequence: missense variant.
Genome position (GRCh38, 1-based): chr3:53,811,135, G>A. VCF-style: chr3-53811135-G-A. GRCh37 (hg19) VCF-style: chr3-53845162-G-A.
Other names: c.6275G>A, p.Gly2092Glu (NM_000720.4); c.6143G>A, p.Gly2048Glu (NM_001128839.3); short protein forms G2092E, G2048E, G2072E.
Identifiers: ClinVar variation 421619 (VCV000421619.13), dbSNP rs770605004, ClinGen allele CA2455405.